The following is an entry in ClinVar:

NM_025179.4(PLXNA2):c.825C>T (p.Phe275=)

Gene: PLXNA2 (plexin A2; minus strand). Cytogenetic location: 1q32.2.
Variant type: single nucleotide variant.
Coding change: c.825C>T on transcript NM_025179.4 (MANE Select); coding-DNA position 825, C replaced by T.
Protein change: p.Phe275=; no amino-acid change (phenylalanine 275 retained).
Molecular consequence: synonymous variant.
Genome position (GRCh38, 1-based): chr1:208,217,098, G>A on the plus strand (C>T on the coding strand, the complement: PLXNA2 is on the minus strand). VCF-style: chr1-208217098-G-A. GRCh37 (hg19) VCF-style: chr1-208390443-G-A.
Identifiers: ClinVar variation 3353868 (VCV003353868.1).
Genomic context (GRCh38, chr1:208,217,098, plus strand): 5'-GGACACGTATGAGTGGAACTTGGGGTCATCCTTGCAGAGCCGCACGATGCGTGAGGTGTA[G>A]AAGAGGTCTCCAGCGGAGTTGATGGCCACACCCTCAGGGGTCTCGGGCTGGACAGTGAGA-3'
Protein context (NP_079455.3, residues 265-285): GVAINSAGDL[Phe275=]YTSRIVRLCK

ClinVar aggregate classification (germline): Likely benign (0 of 4 stars; one submission).

Conditions:
PLXNA2-related disorder. Also called: PLXNA2-related condition.

Submission:

PreventionGenetics, part of Exact Sciences
Classification: Likely benign for PLXNA2-related condition. Last evaluated: 2022-08-31. Review status: no assertion criteria provided. Collection method: clinical testing. Allele origin: germline.
Comment: This variant is classified as likely benign based on ACMG/AMP sequence variant interpretation guidelines (Richards et al. 2015 PMID: 25741868, with internal and published modifications).